The following is an entry in ClinVar:

ClinVar aggregate classification (germline): Uncertain significance (1 of 4 stars; one submission).

gnomAD v4.1: 1 of 1,612,030 alleles (0.000062%); highest among the groups gnomAD compares: Non-Finnish European, 0.000085%; no homozygotes.

Submission:

Labcorp Genetics (formerly Invitae), Labcorp
Classification: Uncertain significance. Last evaluated: 2025-07-25. Review status: criteria provided, single submitter. Criteria: Invitae Variant Classification Sherloc (09022015). Collection method: clinical testing. Allele origin: germline.
Comment: This sequence change falls in intron 22 of the CACNA2D4 gene. It does not directly change the encoded amino acid sequence of the CACNA2D4 protein. It affects a nucleotide within the consensus splice site. This variant is not present in population databases (gnomAD no frequency). This variant has not been reported in the literature in individuals affected with CACNA2D4-related conditions. Variants that disrupt the consensus splice site are a relatively common cause of aberrant splicing (PMID: 17576681, 9536098). Algorithms developed to predict the effect of sequence changes on RNA splicing suggest that this variant may disrupt the consensus splice site. In summary, the available evidence is currently insufficient to determine the role of this variant in disease. Therefore, it has been classified as a Variant of Uncertain Significance.

Literature cited by the submitters: PubMed 17576681; PubMed 9536098.

NM_172364.5(CACNA2D4):c.2152+4A>G

Gene: CACNA2D4 (calcium voltage-gated channel auxiliary subunit alpha2delta 4; minus strand). Cytogenetic location: 12p13.33.
Variant type: single nucleotide variant.
Coding change: c.2152+4A>G on transcript NM_172364.5 (MANE Select); 4 bases into the intron after coding-DNA position 2152, A replaced by G.
Molecular consequence: intron variant.
Genome position (GRCh38, 1-based): chr12:1,856,008, T>C on the plus strand (A>G on the coding strand, the complement: CACNA2D4 is on the minus strand). VCF-style: chr12-1856008-T-C. GRCh37 (hg19) VCF-style: chr12-1965174-T-C.
Identifiers: ClinVar variation 4797985 (VCV004797985.1).